The following is an entry in ClinVar:

NM_015692.5(CPAMD8):c.2956G>A (p.Ala986Thr)

Gene: CPAMD8 (C3 and PZP like alpha-2-macroglobulin domain containing 8; minus strand). Cytogenetic location: 19p13.11.
Variant type: single nucleotide variant.
Coding change: c.2956G>A on transcript NM_015692.5 (MANE Select); coding-DNA position 2956, G replaced by A.
Protein change: p.Ala986Thr; replaces alanine 986 with threonine.
Molecular consequence: missense variant.
Genome position (GRCh38, 1-based): chr19:16,929,130, C>T on the plus strand (G>A on the coding strand, the complement: CPAMD8 is on the minus strand). VCF-style: chr19-16929130-C-T. GRCh37 (hg19) VCF-style: chr19-17039940-C-T.
Other names: short protein forms A986T.
Identifiers: ClinVar variation 2085759 (VCV002085759.4), dbSNP rs181305709, ClinGen allele CA9285123.

ClinVar aggregate classification (germline): Uncertain significance (1 of 4 stars; one submission).

Allele frequency attached by ClinVar (database versions not stated): ExAC 0.00002; gnomAD exomes 0.00004; gnomAD 0.00025; 1000 Genomes Project 30x 0.00031; 1000 Genomes Project 0.00040; TOPMed 0.00065.
gnomAD v4.1: 79 of 1,614,144 alleles (0.0049%); highest among the groups gnomAD compares: Admixed American, 0.083%; no homozygotes.

Submission:

Labcorp Genetics (formerly Invitae), Labcorp
Classification: Uncertain significance. Last evaluated: 2022-08-05. Review status: criteria provided, single submitter. Criteria: Invitae Variant Classification Sherloc (09022015). Collection method: clinical testing. Allele origin: germline.
Comment: In summary, the available evidence is currently insufficient to determine the role of this variant in disease. Therefore, it has been classified as a Variant of Uncertain Significance. Algorithms developed to predict the effect of sequence changes on RNA splicing suggest that this variant may create or strengthen a splice site. Algorithms developed to predict the effect of missense changes on protein structure and function are either unavailable or do not agree on the potential impact of this missense change (SIFT: "Tolerated"; PolyPhen-2: "Possibly Damaging"; Align-GVGD: "Class C0"). This variant has not been reported in the literature in individuals affected with CPAMD8-related conditions. This variant is present in population databases (rs181305709, gnomAD 0.03%). This sequence change replaces alanine, which is neutral and non-polar, with threonine, which is neutral and polar, at codon 1033 of the CPAMD8 protein (p.Ala1033Thr).